The following is an entry in ClinVar:

NM_000334.4(SCN4A):c.1281C>T (p.Phe427=)

Gene: SCN4A (sodium voltage-gated channel alpha subunit 4; minus strand). Cytogenetic location: 17q23.3.
Variant type: single nucleotide variant.
Coding change: c.1281C>T on transcript NM_000334.4 (MANE Select); coding-DNA position 1281, C replaced by T.
Protein change: p.Phe427=; no amino-acid change (phenylalanine 427 retained).
Molecular consequence: synonymous variant.
Genome position (GRCh38, 1-based): chr17:63,964,639, G>A on the plus strand (C>T on the coding strand, the complement: SCN4A is on the minus strand). VCF-style: chr17-63964639-G-A. GRCh37 (hg19) VCF-style: chr17-62041999-G-A.
Identifiers: ClinVar variation 324545 (VCV000324545.28), dbSNP rs369445518, ClinGen allele CA8709879.

ClinVar aggregate classification (germline): Conflicting classifications of pathogenicity. Review status: criteria provided, conflicting classifications (1 of 4 stars). 9 submissions from 5 submitters: Uncertain significance (1); Benign (2); Likely benign (6). Last evaluated 2026-03-24.

Conditions:
Hypokalemic periodic paralysis, type 2 (HOKPP2). Identifiers: Orphanet 681, MedGen C2750061, MONDO:0013234, OMIM 613345.
Congenital myasthenic syndrome 16. Identifiers: Orphanet 590, MedGen C3280112, MONDO:0013620, OMIM 614198.
Potassium-aggravated myotonia. Also called: Myotonia congenita, atypical, acetazolamide-responsive; MYOTONIA CONGENITA, ACETAZOLAMIDE-RESPONSIVE; MYOTONIA CONGENITA, ATYPICAL; SODIUM CHANNEL MUSCLE DISEASE. Identifiers: Orphanet 612, Orphanet 99734, Orphanet 99735, Orphanet 99736, MedGen C2931826, MONDO:0018959, OMIM 608390.
Hyperkalemic periodic paralysis. Also called: Familial hyperkalemic periodic paralysis; Gamstorp disease. Identifiers: Orphanet 682, MedGen C0238357, MONDO:0008224, OMIM 170500, HP:0007215.
Paramyotonia congenita of Von Eulenburg. Also called: Paramyotonia Congenita; PARALYSIS PERIODICA PARAMYOTONICA; Eulenburg disease; Myotonia congenita intermittens; Von Eulenburg paramyotonia congenita. Identifiers: Orphanet 684, MedGen C0221055, MONDO:0008195, OMIM 168300. Disease mechanism: loss of function.

Allele frequency attached by ClinVar (database versions not stated): gnomAD exomes 0.00023; 1000 Genomes Project 30x 0.00016; gnomAD 0.00019 and 0.00017; 1000 Genomes Project 0.00020; TOPMed 0.00020; ESP Exome Variant Server 0.00024; ExAC 0.00029.
gnomAD v4.1: 592 of 1,612,018 alleles (0.037%); highest among the groups gnomAD compares: Non-Finnish European, 0.046%; no homozygotes.

Submissions (9):

Women's Health and Genetics/Laboratory Corporation of America, LabCorp
Classification: Likely benign. Last evaluated: 2026-03-24. Review status: criteria provided, single submitter. Criteria: LabCorp Variant Classification Summary - May 2015. Collection method: clinical testing. Allele origin: germline.

Labcorp Genetics (formerly Invitae), Labcorp
Classification: Benign for Hyperkalemic periodic paralysis. Last evaluated: 2026-01-26. Review status: criteria provided, single submitter. Criteria: Invitae Variant Classification Sherloc (09022015). Collection method: clinical testing. Allele origin: germline.

Athena Diagnostics
Classification: Benign. Last evaluated: 2025-04-04. Review status: criteria provided, single submitter. Criteria: Athena Diagnostics Criteria. Collection method: clinical testing. Allele origin: unknown.
Comment: The frequency of this variant in the general population is higher than would generally be expected for pathogenic variants in this gene. Computational tools yielded predictions that this variant is unlikely to have an effect on normal RNA splicing. This nucleotide position exhibits low evolutionary conservation.

Blueprint Genetics
Classification: Likely benign. Last evaluated: 2023-12-29. Review status: criteria provided, single submitter. Criteria: ACMG Guidelines, 2015. Collection method: clinical testing. Allele origin: germline.

Illumina Laboratory Services, Illumina
Classification: Likely benign for Hyperkalemic periodic paralysis. Last evaluated: 2018-01-12. Review status: criteria provided, single submitter. Criteria: ICSL Variant Classification Criteria 13 December 2019. Collection method: clinical testing. Allele origin: germline.
Comment: This variant was observed in the ICSL laboratory as part of a predisposition screen in an ostensibly healthy population. It had not been previously curated by ICSL or reported in the Human Gene Mutation Database (HGMD: prior to June 1st, 2018), and was therefore a candidate for classification through an automated scoring system. Utilizing variant allele frequency, disease prevalence and penetrance estimates, and inheritance mode, an automated score was calculated to assess if this variant is too frequent to cause the disease. Based on the score and internal cut-off values, a variant classified as likely benign is not then subjected to further curation. The score for this variant resulted in a classification of likely benign for this disease.

Illumina Laboratory Services, Illumina
Classification: Uncertain significance for Congenital myasthenic syndrome 16. Last evaluated: 2018-01-12. Review status: criteria provided, single submitter. Criteria: ICSL Variant Classification Criteria 13 December 2019. Collection method: clinical testing. Allele origin: germline.

Illumina Laboratory Services, Illumina
Classification: Likely benign for Paramyotonia congenita of Von Eulenburg. Last evaluated: 2018-01-12. Review status: criteria provided, single submitter. Criteria: ICSL Variant Classification Criteria 13 December 2019. Collection method: clinical testing. Allele origin: germline.
Comment: the same text as in the submission from Illumina Laboratory Services, Illumina above.

Illumina Laboratory Services, Illumina
Classification: Likely benign for Potassium-aggravated myotonia. Last evaluated: 2018-01-12. Review status: criteria provided, single submitter. Criteria: ICSL Variant Classification Criteria 13 December 2019. Collection method: clinical testing. Allele origin: germline.
Comment: the same text as in the submission from Illumina Laboratory Services, Illumina above.

Illumina Laboratory Services, Illumina
Classification: Likely benign for Hypokalemic periodic paralysis, type 2. Last evaluated: 2018-01-12. Review status: criteria provided, single submitter. Criteria: ICSL Variant Classification Criteria 13 December 2019. Collection method: clinical testing. Allele origin: germline.
Comment: the same text as in the submission from Illumina Laboratory Services, Illumina above.